The following is an entry in ClinVar:

NM_000282.4(PCCA):c.484G>A (p.Val162Ile)

Gene: PCCA (propionyl-CoA carboxylase subunit alpha; plus strand). Cytogenetic location: 13q32.3.
Variant type: single nucleotide variant.
Coding change: c.484G>A on transcript NM_000282.4 (MANE Select); coding-DNA position 484, G replaced by A.
Protein change: p.Val162Ile; replaces valine 162 with isoleucine.
Molecular consequence: missense variant. On other transcripts: 5 prime UTR variant (3), non-coding transcript variant (5).
Genome position (GRCh38, 1-based): chr13:100,209,347, G>A. VCF-style: chr13-100209347-G-A. GRCh37 (hg19) VCF-style: chr13-100861601-G-A.
Other names: c.406G>A, p.Val136Ile (NM_001127692.3, NM_001352607.2, NM_001352608.2); c.484G>A, p.Val162Ile (NM_001178004.2, NM_001352605.2, NM_001352606.2 and 1 more transcripts); c.-383G>A (NM_001352610.2, NM_001352611.2, NM_001352612.2); c.484G>A (NM_000282.3); short protein forms V136I, V162I.
Identifiers: ClinVar variation 991690 (VCV000991690.3), dbSNP rs1442819667, ClinGen allele CA388693282.

ClinVar aggregate classification (germline): Uncertain significance. Review status: criteria provided, multiple submitters, no conflicts (2 of 4 stars). 3 submissions from 3 submitters: Uncertain significance (2). 1 of the submissions does not count toward it. Last evaluated 2026-06-25.

Conditions:
Propionic acidemia (PROP). Also called: GLYCINEMIA, KETOTIC; HYPERGLYCINEMIA WITH KETOACIDOSIS AND LEUKOPENIA; KETOTIC HYPERGLYCINEMIA. Identifiers: Orphanet 35, MedGen C0268579, MONDO:0011628, OMIM 606054, HP:0003571.
PCCA-related disorder. Also called: PCCA-related condition.

Allele frequency attached by ClinVar (database versions not stated): gnomAD exomes below 0.00001; gnomAD 0.00001; TOPMed 0.00001.
gnomAD v4.1: 8 of 1,613,496 alleles (0.0005%); highest among the groups gnomAD compares: African/African-American, 0.0027%; no homozygotes.

Submissions (3):

PreventionGenetics, part of Exact Sciences
Classification: Uncertain significance for PCCA-related condition. Last evaluated: 2026-06-25. Review status: criteria provided, single submitter. Criteria: ACMG Guidelines, 2015. Collection method: clinical testing. Allele origin: germline.
Comment: The PCCA c.484G>A variant is predicted to result in the amino acid substitution p.Val162Ile. To our knowledge, this variant has not been reported in the literature. This variant is reported in 0.00088% of alleles in individuals of European (Non-Finnish) descent in gnomAD. At this time, the clinical significance of this variant is uncertain due to the absence of conclusive functional and genetic evidence.

Fulgent Genetics
Classification: Uncertain significance for Propionic acidemia. Last evaluated: 2021-08-01. Review status: criteria provided, single submitter. Criteria: ACMG Guidelines, 2015. Collection method: clinical testing. Allele origin: unknown.

Natera, Inc.
Classification: Uncertain significance for Propionic acidemia. Last evaluated: 2020-04-17. Review status: no assertion criteria provided. Collection method: clinical testing. Allele origin: germline. Not counted in ClinVar's aggregate classification.